The following is an entry in ClinVar:

NM_000414.4(HSD17B4):c.1596T>C (p.His532=)

Gene: HSD17B4 (hydroxysteroid 17-beta dehydrogenase 4; plus strand). Cytogenetic location: 5q23.1.
Variant type: single nucleotide variant.
Coding change: c.1596T>C on transcript NM_000414.4 (MANE Select); coding-DNA position 1596, T replaced by C.
Protein change: p.His532=; no amino-acid change (histidine 532 retained).
Molecular consequence: synonymous variant. On other transcripts: non-coding transcript variant (2).
Genome position (GRCh38, 1-based): chr5:119,525,939, T>C. VCF-style: chr5-119525939-T-C. GRCh37 (hg19) VCF-style: chr5-118861634-T-C.
Other names: c.1671T>C, p.His557= (NM_001199291.3); c.1542T>C, p.His514= (NM_001199292.2); c.1524T>C, p.His508= (NM_001292027.2, NM_001374498.1); c.1176T>C, p.His392= (NM_001292028.2); c.1587T>C, p.His529= (NM_001374497.1); c.1269T>C, p.His423= (NM_001374499.1); c.1155T>C, p.His385= (NM_001374500.1); c.1185T>C, p.His395= (NM_001374501.1, NM_001374502.1, NM_001374503.1).
Identifiers: ClinVar variation 350467 (VCV000350467.23), dbSNP rs758045328, ClinGen allele CA3382336.

ClinVar aggregate classification (germline): Conflicting classifications of pathogenicity. Review status: criteria provided, conflicting classifications (1 of 4 stars). 6 submissions from 5 submitters: Uncertain significance (2); Likely benign (2). 2 of the submissions do not count toward it. Last evaluated 2024-02-14.

Conditions:
HSD17B4-related disorder. Also called: HSD17B4-related condition; HSD17B4-related disorders.
Perrault syndrome 1 (PRLTS1). Also called: GONADAL DYSGENESIS, XX TYPE, WITH DEAFNESS; OVARIAN DYSGENESIS WITH SENSORINEURAL DEAFNESS. Identifiers: Orphanet 2855, Orphanet 642945, MedGen C4551721, MONDO:0009300, OMIM 233400.
Bifunctional peroxisomal enzyme deficiency (DBIF). Also called: D-bifunctional protein deficiency; DBP DEFICIENCY; PBFE DEFICIENCY. Identifiers: Orphanet 300, MedGen C0342870, MONDO:0009855, OMIM 261515. Disease mechanism: loss of function.
Perrault syndrome. Also called: Gonadal dysgenesis with auditory dysfunction, autosomal recessive inheritance. Identifiers: Orphanet 2855, MedGen C0685838, MONDO:0017312.

Allele frequency attached by ClinVar (database versions not stated): gnomAD exomes below 0.00001; ExAC 0.00001; gnomAD 0.00001; TOPMed 0.00001.
gnomAD v4.1: 3 of 1,608,588 alleles (0.00019%); highest among the groups gnomAD compares: East Asian, 0.0022%; no homozygotes.

Submissions (6):

Labcorp Genetics (formerly Invitae), Labcorp
Classification: Likely benign for Perrault syndrome; Bifunctional peroxisomal enzyme deficiency. Last evaluated: 2024-02-14. Review status: criteria provided, single submitter. Criteria: Invitae Variant Classification Sherloc (09022015). Collection method: clinical testing. Allele origin: germline.

Illumina Laboratory Services, Illumina
Classification: Uncertain significance for Bifunctional peroxisomal enzyme deficiency. Last evaluated: 2018-01-13. Review status: criteria provided, single submitter. Criteria: ICSL Variant Classification Criteria 13 December 2019. Collection method: clinical testing. Allele origin: germline.

Illumina Laboratory Services, Illumina
Classification: Uncertain significance for Perrault syndrome 1. Last evaluated: 2018-01-13. Review status: criteria provided, single submitter. Criteria: ICSL Variant Classification Criteria 13 December 2019. Collection method: clinical testing. Allele origin: germline.

Laboratory for Molecular Medicine, Mass General Brigham Personalized Medicine
Classification: Likely benign. Last evaluated: 2017-06-20. Review status: criteria provided, single submitter. Criteria: LMM Criteria. Collection method: clinical testing. Allele origin: germline. Observed: 1 variant allele.
Comment: p.His557His in exon 20 of HSD17B4: This variant is not expected to have clinical significance because it does not alter an amino acid residue and is not located within the splice consensus sequence. It has been indentified in 1/5472 Other c hromosomes by the Genome Aggregation Database (gnomAD; dbSNP rs758045328).

PreventionGenetics, part of Exact Sciences
Classification: Likely benign for HSD17B4-related condition. Last evaluated: 2022-03-23. Review status: no assertion criteria provided. Collection method: clinical testing. Allele origin: germline. Not counted in ClinVar's aggregate classification.
Comment: This variant is classified as likely benign based on ACMG/AMP sequence variant interpretation guidelines (Richards et al. 2015 PMID: 25741868, with internal and published modifications).

Natera, Inc.
Classification: Likely benign for Bifunctional peroxisomal enzyme deficiency. Last evaluated: 2020-03-20. Review status: no assertion criteria provided. Collection method: clinical testing. Allele origin: germline. Not counted in ClinVar's aggregate classification.